The following is an entry in ClinVar:

NM_004656.4(BAP1):c.1877A>G (p.Lys626Arg)

Gene: BAP1 (BRCA1 associated deubiquitinase 1; minus strand). Cytogenetic location: 3p21.1.
Variant type: single nucleotide variant.
Coding change: c.1877A>G on transcript NM_004656.4 (MANE Select); coding-DNA position 1877, A replaced by G.
Protein change: p.Lys626Arg; replaces lysine 626 with arginine.
Molecular consequence: missense variant.
Genome position (GRCh38, 1-based): chr3:52,403,151, T>C on the plus strand (A>G on the coding strand, the complement: BAP1 is on the minus strand). VCF-style: chr3-52403151-T-C. GRCh37 (hg19) VCF-style: chr3-52437167-T-C.
Other names: c.1823A>G, p.Lys608Arg (NM_001410772.1); short protein forms K608R, K626R.
Identifiers: ClinVar variation 2497600 (VCV002497600.4), dbSNP rs2153226438, ClinGen allele CA353097963.
Genomic context (GRCh38, chr3:52,403,151, plus strand): 5'-CTTACCCTCTGCCAGGATTAAAGGAGAAAACCACAACGGAGGCTCACCTTGGGTGAGTAT[T>C]TCTCCCCACTCAAGGGCTCGCCAGGCCTCACCATCCCCGTCTTCTCTCTGCTGTCCGTGG-3'
Protein context (NP_004647.1, residues 616-636): VRPGEPLSGE[Lys626Arg]YSPKELLALL

ClinVar aggregate classification (germline): Uncertain significance. Review status: criteria provided, multiple submitters, no conflicts (2 of 4 stars). 2 submissions from 2 submitters: Uncertain significance (2). Last evaluated 2025-12-29.

Conditions:
Hereditary cancer-predisposing syndrome. Also called: Neoplastic Syndromes, Hereditary; Hereditary neoplastic syndrome; Tumor predisposition; Hereditary Cancer Syndrome. Identifiers: Orphanet 140162, MedGen C0027672, MeSH D009386, MONDO:0015356.

Submissions (2):

Center for Genomic Medicine, Rigshospitalet, Copenhagen University Hospital
Classification: Uncertain significance. Last evaluated: 2025-12-29. Review status: criteria provided, single submitter. Criteria: ACMG Guidelines, 2015. Collection method: clinical testing. Allele origin: germline.

Ambry Genetics
Classification: Uncertain significance for Hereditary cancer-predisposing syndrome. Last evaluated: 2024-10-14. Review status: criteria provided, single submitter. Criteria: Ambry Variant Classification Scheme 2023. Collection method: clinical testing. Allele origin: germline.
Comment: The p.K626R variant (also known as c.1877A>G), located in coding exon 14 of the BAP1 gene, results from an A to G substitution at nucleotide position 1877. The lysine at codon 626 is replaced by arginine, an amino acid with highly similar properties. This amino acid position is well conserved in available vertebrate species. In addition, this alteration is predicted to be tolerated by in silico analysis. Based on the available evidence, the clinical significance of this variant remains unclear.